The following is an entry in ClinVar:

NM_001365999.1(SZT2):c.5161C>A (p.His1721Asn)

Gene: SZT2 (SZT2 subunit of KICSTOR complex; plus strand). Cytogenetic location: 1p34.2.
Variant type: single nucleotide variant.
Coding change: c.5161C>A on transcript NM_001365999.1 (MANE Select); coding-DNA position 5161, C replaced by A.
Protein change: p.His1721Asn; replaces histidine 1721 with asparagine.
Molecular consequence: missense variant.
Genome position (GRCh38, 1-based): chr1:43,431,788, C>A. VCF-style: chr1-43431788-C-A. GRCh37 (hg19) VCF-style: chr1-43897459-C-A.
Other names: c.4990C>A (NM_015284.3); c.4990C>A, p.His1664Asn (NM_015284.4); short protein forms H1721N, H1664N.
Identifiers: ClinVar variation 1496634 (VCV001496634.7), dbSNP rs376678520, ClinGen allele CA340023529.

ClinVar aggregate classification (germline): Uncertain significance. Review status: criteria provided, multiple submitters, no conflicts (2 of 4 stars). 2 submissions from 2 submitters: Uncertain significance (2). Last evaluated 2025-03-20.

gnomAD v4.1: 2 of 1,614,228 alleles (0.00012%); highest among the groups gnomAD compares: Non-Finnish European, 0.00017%; no homozygotes.

Submissions (2):

GeneDx
Classification: Uncertain significance. Last evaluated: 2025-03-20. Review status: criteria provided, single submitter. Criteria: GeneDx Variant Classification Process June 2021. Collection method: clinical testing. Allele origin: germline. Affected: yes.
Comment: Not observed at significant frequency in large population cohorts (gnomAD); In silico analysis indicates that this missense variant does not alter protein structure/function; Has not been previously published as pathogenic or benign to our knowledge

Labcorp Genetics (formerly Invitae), Labcorp
Classification: Uncertain significance. Last evaluated: 2021-10-13. Review status: criteria provided, single submitter. Criteria: Invitae Variant Classification Sherloc (09022015). Collection method: clinical testing. Allele origin: germline.
Comment: In summary, the available evidence is currently insufficient to determine the role of this variant in disease. Therefore, it has been classified as a Variant of Uncertain Significance. Algorithms developed to predict the effect of missense changes on protein structure and function (SIFT, PolyPhen-2, Align-GVGD) all suggest that this variant is likely to be tolerated. This variant has not been reported in the literature in individuals affected with SZT2-related conditions. This variant is not present in population databases (ExAC no frequency). This sequence change replaces histidine with asparagine at codon 1664 of the SZT2 protein (p.His1664Asn). The histidine residue is highly conserved and there is a small physicochemical difference between histidine and asparagine.